The following is an entry in ClinVar:

ClinVar aggregate classification (germline): Uncertain significance (1 of 4 stars; one submission).

Submission:

Genetic Services Laboratory, University of Chicago
Classification: Uncertain significance. Last evaluated: 2024-08-14. Review status: criteria provided, single submitter. Criteria: ACMG Guidelines, 2015. Collection method: clinical testing. Allele origin: germline. Affected: no.
Comment: DNA sequence analysis of the ATM gene demonstrated a deletion and insertion of 2 base pairs in exon 44, c.6433_6434delinsTT. This in-frame deletion/insertion is predicted to result in a missense change, p.Glu2145Leu. This sequence change does not appear to have been previously described in individuals with ATM-related disorders and has also not been described in the population databases such as ExAC and gnomAD. The p.Glu2145Leu change affects a moderately conserved amino acid residue located in a domain of the ATM protein that is known to be functional. In-silico pathogenicity prediction tools (SIFT, PolyPhen2, Align GVGD, REVEL) provide contradictory results for the p.Glu2145Leu substitution. Due to insufficient evidence and the lack of functional studies, the clinical significance of the p.Glu2145Leu change remains unknown at this time.

NM_000051.4(ATM):c.6433_6434delinsTT (p.Glu2145Leu)

Genes: ATM (ATM serine/threonine kinase; plus strand), C11orf65 (chromosome 11 open reading frame 65; minus strand). Cytogenetic location: 11q22.3.
Variant type: Indel.
Coding change: c.6433_6434delinsTT on transcript NM_000051.4 (MANE Select); coding-DNA positions 6433 to 6434, GA replaced by TT.
Protein change: p.Glu2145Leu; replaces glutamic acid 2145 with leucine.
Molecular consequence: missense variant. On other transcripts: intron variant (2).
Genome position (GRCh38, 1-based): chr11:108,320,039-108,320,040, GA replaced by TT. VCF-style: chr11-108320039-GA-TT. GRCh37 (hg19) VCF-style: chr11-108190766-GA-TT.
Other names: c.6433_6434delGAinsTT, p.Glu2145Leu (NM_000051.3); c.6433_6434delinsTT, p.Glu2145Leu (NM_001351834.2); c.641-10969_641-10968delinsAA (NM_001330368.2); c.*39-10969_*39-10968delinsAA (NM_001351110.2); short protein forms E2145L.
Identifiers: ClinVar variation 4082513 (VCV004082513.2).